The following is an entry in ClinVar:

ClinVar aggregate classification (germline): Uncertain significance (1 of 4 stars; one submission).

Submission:

Labcorp Genetics (formerly Invitae), Labcorp
Classification: Uncertain significance. Last evaluated: 2022-10-20. Review status: criteria provided, single submitter. Criteria: Invitae Variant Classification Sherloc (09022015). Collection method: clinical testing. Allele origin: germline.
Comment: This variant is not present in population databases (gnomAD no frequency). In summary, the available evidence is currently insufficient to determine the role of this variant in disease. Therefore, it has been classified as a Variant of Uncertain Significance. Advanced modeling of protein sequence and biophysical properties (such as structural, functional, and spatial information, amino acid conservation, physicochemical variation, residue mobility, and thermodynamic stability) performed at Invitae indicates that this missense variant is expected to disrupt COL2A1 protein function. This variant has not been reported in the literature in individuals affected with COL2A1-related conditions. This sequence change replaces glycine, which is neutral and non-polar, with cysteine, which is neutral and slightly polar, at codon 141 of the COL2A1 protein (p.Gly141Cys).

NM_001844.5(COL2A1):c.421G>T (p.Gly141Cys)

Gene: COL2A1 (collagen type II alpha 1 chain; minus strand). Cytogenetic location: 12q13.11.
Variant type: single nucleotide variant.
Coding change: c.421G>T on transcript NM_001844.5 (MANE Select); coding-DNA position 421, G replaced by T.
Protein change: p.Gly141Cys; replaces glycine 141 with cysteine.
Molecular consequence: missense variant.
Genome position (GRCh38, 1-based): chr12:47,997,879, C>A on the plus strand (G>T on the coding strand, the complement: COL2A1 is on the minus strand). VCF-style: chr12-47997879-C-A. GRCh37 (hg19) VCF-style: chr12-48391662-C-A.
Other names: c.214G>T, p.Gly72Cys (NM_033150.3); short protein forms G141C, G72C.
Identifiers: ClinVar variation 1721965 (VCV001721965.5), dbSNP rs2540181348, ClinGen allele CA384524952.